The following is an entry in ClinVar:

NM_020166.5(MCCC1):c.682_685del (p.Leu228fs)

Gene: MCCC1 (methylcrotonyl-CoA carboxylase subunit 1; minus strand). Cytogenetic location: 3q27.1.
Variant type: Deletion.
Coding change: c.682_685del on transcript NM_020166.5 (MANE Select); coding-DNA positions 682 to 685, 4 bases deleted (TTAG; older notation c.682_685delTTAG).
Protein change: p.Leu228fs; shifts the reading frame from leucine 228.
Molecular consequence: frameshift variant. On other transcripts: non-coding transcript variant (2).
Genome position (GRCh38, 1-based): chr3:183,071,075-183,071,078, CTAA deleted on the plus strand (TTAG on the coding strand, the reverse complement: MCCC1 is on the minus strand); deleting any 4 consecutive bases within chr3:183,071,075-183,071,080 gives the same sequence; the c. name uses the placement nearest the transcript's 3' end. VCF-style (leftmost placement, unchanged base first): chr3-183071074-TCTAA-T. GRCh37 (hg19) VCF-style: chr3-182788862-TCTAA-T.
Other names: c.331_334del, p.Leu111fs (NM_001293273.2); c.355_358del, p.Leu119fs (NM_001363880.1); short protein forms L228fs, L119fs, L111fs.
Identifiers: ClinVar variation 965489 (VCV000965489.8), dbSNP rs1716637067, ClinGen allele CA1139658359.

ClinVar aggregate classification (germline): Pathogenic (1 of 4 stars; one submission).

Conditions:
3-methylcrotonyl-CoA carboxylase 1 deficiency (MCC1D). Also called: MCCD TYPE 1; METHYLCROTONYLGLYCINURIA TYPE I; MCC 1 deficiency; 3 Alpha methylcrotonylglycinuria 1. Identifiers: Orphanet 6, MedGen CN028786, MONDO:0008861, OMIM 210200.

Submission:

Labcorp Genetics (formerly Invitae), Labcorp
Classification: Pathogenic for 3-methylcrotonyl-CoA carboxylase 1 deficiency. Last evaluated: 2019-10-02. Review status: criteria provided, single submitter. Criteria: Invitae Variant Classification Sherloc (09022015). Collection method: clinical testing. Allele origin: germline.
Comment: For these reasons, this variant has been classified as Pathogenic. Loss-of-function variants in MCCC1 are known to be pathogenic (PMID: 11181649, 15359379, 22642865). This variant has not been reported in the literature in individuals with MCCC1-related disease. This variant is not present in population databases (ExAC no frequency). This sequence change creates a premature translational stop signal (p.Leu228Serfs*17) in the MCCC1 gene. It is expected to result in an absent or disrupted protein product.

Literature cited by the submitters: PubMed 11181649; PubMed 15359379; PubMed 22642865.